The following is an entry in ClinVar:

ClinVar aggregate classification (germline): Uncertain significance (1 of 4 stars; one submission).

Submission:

GeneDx
Classification: Uncertain significance. Last evaluated: 2019-12-16. Review status: criteria provided, single submitter. Criteria: GeneDx Variant Classification Process June 2021. Collection method: clinical testing. Allele origin: germline. Affected: yes.
Comment: Not observed in large population cohorts (Lek et al., 2016); The majority of missense variants in this gene are considered pathogenic (Stenson et al., 2014); In silico analysis, which includes protein predictors and evolutionary conservation, supports a deleterious effect; This substitution is predicted to be within the cytoplasmic loop between the first and second homologous domains; Has not been previously published as pathogenic or benign to our knowledge

NM_001165963.4(SCN1A):c.1396G>C (p.Ala466Pro)

Gene: SCN1A (sodium voltage-gated channel alpha subunit 1; minus strand). Cytogenetic location: 2q24.3.
Variant type: single nucleotide variant.
Coding change: c.1396G>C on transcript NM_001165963.4 (MANE Select); coding-DNA position 1396, G replaced by C.
Protein change: p.Ala466Pro; replaces alanine 466 with proline.
Molecular consequence: missense variant. On other transcripts: 5 prime UTR variant (1), non-coding transcript variant (1).
Genome position (GRCh38, 1-based): chr2:166,045,309, C>G on the plus strand (G>C on the coding strand, the complement: SCN1A is on the minus strand). VCF-style: chr2-166045309-C-G. GRCh37 (hg19) VCF-style: chr2-166901819-C-G.
Other names: c.1396G>C, p.Ala466Pro (NM_001165964.3, NM_001202435.3, NM_001353948.2 and 7 more transcripts); c.1393G>C, p.Ala465Pro (NM_001353954.2, NM_001353955.2, NM_001353960.2); c.-1030G>C (NM_001353961.2); short protein forms A465P, A466P.
Identifiers: ClinVar variation 1311130 (VCV001311130.2), dbSNP rs762652516, ClinGen allele CA349069940.
Genomic context (GRCh38, chr2:166,045,309, plus strand): 5'-CTTCAGATGAGCTGTCTGAGAGCCTGCCTGCTGCACTGGGCTCTCTGGAATGTTCTGAGG[C>G]AGTTGCCGTTGCTGCCTGCTATATTGAAGAGAAATGATTTTAACATAGCACCTGAAGAGA-3'
Protein context (NP_001159435.1, residues 456-476): EAAQQAATAT[Ala466Pro]SEHSREPSAA